The following is an entry in ClinVar:

NM_054012.4(ASS1):c.1090del (p.Glu364fs)

Gene: ASS1 (argininosuccinate synthase 1; plus strand). Cytogenetic location: 9q34.11.
Variant type: Deletion.
Coding change: c.1090del on transcript NM_054012.4 (MANE Select); coding-DNA position 1090, one base deleted (G; older notation c.1090delG).
Protein change: p.Glu364fs; shifts the reading frame from glutamic acid 364.
Molecular consequence: frameshift variant.
Genome position (GRCh38, 1-based): chr9:130,494,986, G deleted; the last of 3 consecutive G bases (chr9:130,494,984-130,494,986); deleting any one gives the same sequence. VCF-style (leftmost placement, unchanged base first): chr9-130494983-CG-C. GRCh37 (hg19) VCF-style: chr9-133370370-CG-C.
Other names: c.1090del, p.Glu364fs (NM_000050.4); short protein forms E364fs.
Identifiers: ClinVar variation 2760926 (VCV002760926.3), dbSNP rs2490622155, ClinGen allele CA2697558192.

ClinVar aggregate classification (germline): Pathogenic (1 of 4 stars; one submission).

Conditions:
Citrullinemia. Identifiers: Orphanet 187, MedGen C0175683, MONDO:0015991.

Submission:

Labcorp Genetics (formerly Invitae), Labcorp
Classification: Pathogenic for Citrullinemia. Last evaluated: 2023-09-15. Review status: criteria provided, single submitter. Criteria: Invitae Variant Classification Sherloc (09022015). Collection method: clinical testing. Allele origin: germline.
Comment: This variant has not been reported in the literature in individuals affected with ASS1-related conditions. For these reasons, this variant has been classified as Pathogenic. This variant is not present in population databases (gnomAD no frequency). This sequence change creates a premature translational stop signal (p.Glu364Serfs*12) in the ASS1 gene. It is expected to result in an absent or disrupted protein product. Loss-of-function variants in ASS1 are known to be pathogenic (PMID: 18473344, 19006241).

Literature cited by the submitters: PubMed 18473344; PubMed 19006241.